The following is an entry in ClinVar:

ClinVar aggregate classification (germline): Likely pathogenic (1 of 4 stars; one submission).

Submission:

Labcorp Genetics (formerly Invitae), Labcorp
Classification: Likely pathogenic. Last evaluated: 2021-11-02. Review status: criteria provided, single submitter. Criteria: Invitae Variant Classification Sherloc (09022015). Collection method: clinical testing. Allele origin: germline.
Comment: This sequence change affects an acceptor splice site in intron 23 of the POLR3A gene. It is expected to disrupt RNA splicing. Variants that disrupt the donor or acceptor splice site typically lead to a loss of protein function (PMID: 16199547), and loss-of-function variants in POLR3A are known to be pathogenic (PMID: 21855841, 25339210, 27612211, 30414627, 30450527). This variant is not present in population databases (gnomAD no frequency). This variant has not been reported in the literature in individuals affected with POLR3A-related conditions. Algorithms developed to predict the effect of sequence changes on RNA splicing suggest that this variant may disrupt the consensus splice site. In summary, the currently available evidence indicates that the variant is pathogenic, but additional data are needed to prove that conclusively. Therefore, this variant has been classified as Likely Pathogenic.

Literature cited by the submitters: PubMed 16199547; PubMed 21855841; PubMed 25339210; PubMed 27612211; PubMed 30414627; PubMed 30450527.

NM_007055.4(POLR3A):c.3072-1G>T

Gene: POLR3A (RNA polymerase III subunit A; minus strand). Cytogenetic location: 10q22.3.
Variant type: single nucleotide variant.
Coding change: c.3072-1G>T on transcript NM_007055.4 (MANE Select); the canonical splice acceptor site of the intron before coding-DNA position 3072, G replaced by T.
Molecular consequence: splice acceptor variant.
Genome position (GRCh38, 1-based): chr10:77,985,341, C>A on the plus strand (G>T on the coding strand, the complement: POLR3A is on the minus strand). VCF-style: chr10-77985341-C-A. GRCh37 (hg19) VCF-style: chr10-79745099-C-A.
Identifiers: ClinVar variation 1482355 (VCV001482355.6), dbSNP rs1847186675, ClinGen allele CA377331491.
Genomic context (GRCh38, chr10:77,985,341, plus strand): 5'-GGCTCACCAATGCTCTGGGCACACAGAGCACCCACTGCAGAACCTGGCTCCATCTGTGCC[C>A]TAGAAGGCAAAGGTATGGATGAGATTGCAGCATGCCAAAGAAAAGTCCAGCAAAACTGCT-3'